The following is an entry in ClinVar:

ClinVar aggregate classification (germline): Pathogenic (1 of 4 stars; one submission).

Conditions:
Neurofibromatosis, type 1 (NF1). Also called: VON RECKLINGHAUSEN DISEASE; Peripheral type neurofibromatosis; NEUROFIBROMATOSIS, TYPE I, SOMATIC; Neurofibromatosis, type I. Identifiers: Orphanet 636, MedGen C0027831, MONDO:0018975, OMIM 162200. Disease mechanism: loss of function.

Submission:

Labcorp Genetics (formerly Invitae), Labcorp
Classification: Pathogenic for Neurofibromatosis, type 1. Last evaluated: 2025-10-08. Review status: criteria provided, single submitter. Criteria: Invitae Variant Classification Sherloc (09022015). Collection method: clinical testing. Allele origin: germline.
Comment: This sequence change creates a premature translational stop signal (p.Thr2397Ilefs*14) in the NF1 gene. It is expected to result in an absent or disrupted protein product. Loss-of-function variants in NF1 are known to be pathogenic (PMID: 10712197, 23913538). This variant is not present in population databases (gnomAD no frequency). This variant has not been reported in the literature in individuals affected with NF1-related conditions. For these reasons, this variant has been classified as Pathogenic.

Literature cited by the submitters: PubMed 10712197; PubMed 23913538.

NM_001042492.3(NF1):c.7253del (p.Thr2418fs)

Gene: NF1 (neurofibromin 1; plus strand). Cytogenetic location: 17q11.2.
Variant type: Deletion.
Coding change: c.7253del on transcript NM_001042492.3 (MANE Select); coding-DNA position 7253, one base deleted (C; older notation c.7253delC).
Protein change: p.Thr2418fs; shifts the reading frame from threonine 2418.
Molecular consequence: frameshift variant.
Genome position (GRCh38, 1-based): chr17:31,349,183, C deleted. VCF-style (leftmost placement, unchanged base first): chr17-31349182-AC-A. GRCh37 (hg19) VCF-style: chr17-29676200-AC-A.
Other names: c.7190del, p.Thr2397fs (NM_000267.4); short protein forms T2418fs, T2397fs.
Identifiers: ClinVar variation 4728746 (VCV004728746.1).
Genomic context (GRCh38, chr17:31,349,182, plus strand): 5'-TACAGGCATCCTTCACCTGCTATTGTTGCAAGAACAGTCAGAATTTTACATACACTACTA[AC>A]TCTGGTTAACAAACACAGAAATTGTGACAAATTTGAAGTGAATACACAGAGCGTGGCCTA-3'